The following is an entry in ClinVar:

NM_003263.4(TLR1):c.2036T>C (p.Ile679Thr)

Gene: TLR1 (toll like receptor 1; minus strand). Cytogenetic location: 4p14.
Variant type: single nucleotide variant.
Coding change: c.2036T>C on transcript NM_003263.4 (MANE Select); coding-DNA position 2036, T replaced by C.
Protein change: p.Ile679Thr; replaces isoleucine 679 with threonine.
Molecular consequence: missense variant.
Genome position (GRCh38, 1-based): chr4:38,796,796, A>G on the plus strand (T>C on the coding strand, the complement: TLR1 is on the minus strand). VCF-style: chr4-38796796-A-G. GRCh37 (hg19) VCF-style: chr4-38798417-A-G.
Other names: short protein forms I679T.
Identifiers: ClinVar variation 983492 (VCV000983492.2), dbSNP rs56205407, ClinGen allele CA2889225.

ClinVar aggregate classification (germline): Pathogenic (0 of 4 stars; one submission).

Conditions:
Rheumatoid arthritis (RA). Also called: RHEUMATOID ARTHRITIS, SUSCEPTIBILITY TO. Identifiers: MedGen C0003873, MONDO:0008383, OMIM 180300, HP:0001370.

Allele frequency attached by ClinVar (database versions not stated): gnomAD 0.00004 and 0.00042; ESP Exome Variant Server 0.00008; TOPMed 0.00012; gnomAD exomes 0.00117; ExAC 0.00128; 1000 Genomes Project 30x 0.00141; 1000 Genomes Project 0.00160.
gnomAD v4.1: 1,029 of 1,614,210 alleles (0.064%); highest among the groups gnomAD compares: South Asian, 1%; 15 homozygotes.

Submission:

Institute of Biochemistry and Biotechnology, Faculty of Life Sciences, University of the Punjab
Classification: Pathogenic for Rheumatoid arthritis. Last evaluated: 2020-11-02. Review status: no assertion criteria provided. Collection method: research. Allele origin: inherited. Affected: yes. Observed: 2 variant alleles.
Comment: Mutations in TLR1 gene might disrugulate the inflammatory mechanism invloved in rhumatoid arthritis

Literature cited by the submitters: PubMed 32594150.